The following is an entry in ClinVar:

ClinVar aggregate classification (germline): Uncertain significance (1 of 4 stars; one submission).

Conditions:
Fanconi anemia (FA). Also called: Fanconi's anemia. Identifiers: Orphanet 84, MedGen C0015625, MeSH D005199, MONDO:0019391.

Allele frequency attached by ClinVar (database versions not stated): gnomAD exomes below 0.00001; TOPMed below 0.00001.
gnomAD v4.1: 1 of 1,614,012 alleles (0.000062%); highest among the groups gnomAD compares: Non-Finnish European, 0.000085%; no homozygotes.

Submission:

Labcorp Genetics (formerly Invitae), Labcorp
Classification: Uncertain significance for Fanconi anemia. Last evaluated: 2024-04-05. Review status: criteria provided, single submitter. Criteria: Invitae Variant Classification Sherloc (09022015). Collection method: clinical testing. Allele origin: germline.
Comment: This sequence change replaces isoleucine, which is neutral and non-polar, with threonine, which is neutral and polar, at codon 741 of the FANCI protein (p.Ile741Thr). This variant is not present in population databases (gnomAD no frequency). This variant has not been reported in the literature in individuals affected with FANCI-related conditions. Advanced modeling of protein sequence and biophysical properties (such as structural, functional, and spatial information, amino acid conservation, physicochemical variation, residue mobility, and thermodynamic stability) has been performed at Invitae for this missense variant, however the output from this modeling did not meet the statistical confidence thresholds required to predict the impact of this variant on FANCI protein function. In summary, the available evidence is currently insufficient to determine the role of this variant in disease. Therefore, it has been classified as a Variant of Uncertain Significance.

NM_001113378.2(FANCI):c.2222T>C (p.Ile741Thr)

Gene: FANCI (FA complementation group I; plus strand). Cytogenetic location: 15q26.1.
Variant type: single nucleotide variant.
Coding change: c.2222T>C on transcript NM_001113378.2 (MANE Select); coding-DNA position 2222, T replaced by C.
Protein change: p.Ile741Thr; replaces isoleucine 741 with threonine.
Molecular consequence: missense variant.
Genome position (GRCh38, 1-based): chr15:89,292,994, T>C. VCF-style: chr15-89292994-T-C. GRCh37 (hg19) VCF-style: chr15-89836225-T-C.
Other names: c.1943T>C, p.Ile648Thr (NM_001376910.1); c.2222T>C, p.Ile741Thr (NM_001376911.1, NM_018193.3); short protein forms I648T, I741T.
Identifiers: ClinVar variation 2797624 (VCV002797624.3), dbSNP rs1596304890, ClinGen allele CA393749376.